The following is an entry in ClinVar:

NM_013319.3(UBIAD1):c.*819G>A

Gene: UBIAD1 (UbiA prenyltransferase domain containing 1; plus strand). Cytogenetic location: 1p36.22.
Variant type: single nucleotide variant.
Coding change: c.*819G>A on transcript NM_013319.3 (MANE Select); 819 bases downstream of the stop codon, G replaced by A.
Molecular consequence: 3 prime UTR variant. On other transcripts: intron variant (2).
Genome position (GRCh38, 1-based): chr1:11,286,950, G>A. VCF-style: chr1-11286950-G-A. GRCh37 (hg19) VCF-style: chr1-11347007-G-A.
Other names: c.618+1218G>A (NM_001330349.2); c.530-7923G>A (NM_001330350.2).
Identifiers: ClinVar variation 291884 (VCV000291884.5), dbSNP rs75287995, ClinGen allele CA10607333.

ClinVar aggregate classification (germline): Benign (1 of 4 stars; one submission).

Conditions:
Schnyder crystalline corneal dystrophy (SCCD). Also called: Crystalline corneal dystrophy; Schnyder corneal dystrophy. Identifiers: Orphanet 98967, MedGen C0271287, MONDO:0007374, OMIM 121800.

Allele frequency attached by ClinVar (database versions not stated): 1000 Genomes Project 0.01957; gnomAD 0.01360 and 0.01442; TOPMed 0.01547; 1000 Genomes Project 30x 0.02014.

Submission:

Illumina Laboratory Services, Illumina
Classification: Benign for Schnyder crystalline corneal dystrophy. Last evaluated: 2018-01-13. Review status: criteria provided, single submitter. Criteria: ICSL Variant Classification Criteria 13 December 2019. Collection method: clinical testing. Allele origin: germline.
Comment: This variant was observed in the ICSL laboratory as part of a predisposition screen in an ostensibly healthy population. It had not been previously curated by ICSL or reported in the Human Gene Mutation Database (HGMD: prior to June 1st, 2018), and was therefore a candidate for classification through an automated scoring system. Utilizing variant allele frequency, disease prevalence and penetrance estimates, and inheritance mode, an automated score was calculated to assess if this variant is too frequent to cause the disease. Based on the score and internal cut-off values, a variant classified as benign is not then subjected to further curation. The score for this variant resulted in a classification of benign for this disease.